The following is an entry in ClinVar:

ClinVar aggregate classification (germline): Benign (1 of 4 stars; one submission).

Conditions:
Fraser syndrome 2 (FRASRS2). Identifiers: MedGen C4540036, MONDO:0054738, OMIM 617666.

Allele frequency attached by ClinVar (database versions not stated): 1000 Genomes Project 0.02396; TOPMed 0.02478; gnomAD 0.02508; 1000 Genomes Project 30x 0.02592.

Submission:

Illumina Laboratory Services, Illumina
Classification: Benign for Fraser syndrome 2. Last evaluated: 2018-01-12. Review status: criteria provided, single submitter. Criteria: ICSL Variant Classification Criteria 13 December 2019. Collection method: clinical testing. Allele origin: germline.
Comment: This variant was observed in the ICSL laboratory as part of a predisposition screen in an ostensibly healthy population. It had not been previously curated by ICSL or reported in the Human Gene Mutation Database (HGMD: prior to June 1st, 2018), and was therefore a candidate for classification through an automated scoring system. Utilizing variant allele frequency, disease prevalence and penetrance estimates, and inheritance mode, an automated score was calculated to assess if this variant is too frequent to cause the disease. Based on the score and internal cut-off values, a variant classified as benign is not then subjected to further curation. The score for this variant resulted in a classification of benign for this disease.

NM_207361.6(FREM2):c.*5600G>T

Gene: FREM2 (FRAS1 related extracellular matrix 2; plus strand). Cytogenetic location: 13q13.3.
Variant type: single nucleotide variant.
Coding change: c.*5600G>T on transcript NM_207361.6 (MANE Select); 5600 bases downstream of the stop codon, G replaced by T.
Molecular consequence: 3 prime UTR variant.
Genome position (GRCh38, 1-based): chr13:38,886,387, G>T. VCF-style: chr13-38886387-G-T. GRCh37 (hg19) VCF-style: chr13-39460524-G-T.
Identifiers: ClinVar variation 312108 (VCV000312108.5), dbSNP rs74793552, ClinGen allele CA10639533.
Genomic context (GRCh38, chr13:38,886,387, plus strand): 5'-AATATATATATACACACACACACACATACACACACATATATGTACATACATATATATATA[G>T]AGAGAGAGAGATAGATTTTTTTTTTTTGAGACAGAGTTTCGCTCTTGTTGCCCAGGCTGG-3'